The following is an entry in ClinVar:

NM_004415.4(DSP):c.2631-13dup

Gene: DSP (desmoplakin; plus strand). Cytogenetic location: 6p24.3.
Variant type: Duplication.
Coding change: c.2631-13dup on transcript NM_004415.4 (MANE Select); 13 bases into the intron before coding-DNA position 2631, one base duplicated (T; older notation c.2631-13dupT).
Molecular consequence: intron variant.
Genome position (GRCh38, 1-based): chr6:7,576,281, T duplicated. VCF-style (leftmost placement, unchanged base first): chr6-7576280-C-CT. GRCh37 (hg19) VCF-style: chr6-7576513-C-CT.
Other names: c.2631-13dup (NM_001319034.2, NM_001008844.3).
Identifiers: ClinVar variation 919252 (VCV000919252.6), dbSNP rs1455610668, ClinGen allele CA565358331.
Genomic context (GRCh38, chr6:7,576,280, plus strand): 5'-TTTCTGGGTGATTCTATGTTACATATTTTAGGAACTAATAAGATAATGATTTTATTGTAT[C>CT]TATTTCCCCCCAGGTTATGGGACCTGGAGAAACAAATCAAGCAATTGAGGAATTATCGTG-3'

ClinVar aggregate classification (germline): Uncertain significance. Review status: criteria provided, multiple submitters, no conflicts (2 of 4 stars). 2 submissions from 2 submitters: Uncertain significance (2). Last evaluated 2022-01-24.

Conditions:
Arrhythmogenic cardiomyopathy with wooly hair and keratoderma. Also called: PALMOPLANTAR KERATODERMA WITH LEFT VENTRICULAR CARDIOMYOPATHY AND WOOLLY HAIR; Carvajal syndrome; Dilated cardiomyopathy with woolly hair and keratoderma; Arrhythmogenic cardiomyopathy with woolly hair and keratoderma. Identifiers: Orphanet 65282, MedGen C1854063, MONDO:0011581, OMIM 605676.
Woolly hair-skin fragility syndrome (WHSF). Identifiers: Orphanet 293165, MedGen C1843292, MONDO:0957307, OMIM 620415.
Cardiomyopathy, dilated, with wooly hair, keratoderma, and tooth agenesis. Also called: Cardiomyopathy, dilated, with woolly hair, keratoderma, and tooth agenesis; Erythrokeratodermia-cardiomyopathy syndrome. Identifiers: Orphanet 476096, Orphanet 65282, MedGen C4014393, MONDO:0014355, OMIM 615821.
Lethal acantholytic epidermolysis bullosa (EBLA). Identifiers: Orphanet 158687, MedGen C1864826, MONDO:0012323, OMIM 609638.
Arrhythmogenic right ventricular dysplasia 8 (ARVD8). Also called: Arrhythmogenic Right Ventricular Dysplasia/Cardiomyopathy 8; ARRHYTHMOGENIC RIGHT VENTRICULAR DYSPLASIA, FAMILIAL, 8; ARRHYTHMOGENIC RIGHT VENTRICULAR CARDIOMYOPATHY 8. Identifiers: MedGen C1843896, MONDO:0011831, OMIM 607450.
Keratosis palmoplantaris striata 2. Also called: KERATODERMA, PALMOPLANTAR, STRIATE FORM II; STRIATE PALMOPLANTAR KERATODERMA II; Keratosis palmoplantaris striata II. Identifiers: MedGen C1852127, MONDO:0013034, OMIM 612908.
Cardiomyopathy (CMYO). Also called: Cardiomyopathies. Identifiers: Orphanet 167848, MedGen C0878544, MONDO:0004994, HP:0001638. Inheritance: Various modes of inheritance.

Allele frequency attached by ClinVar (database versions not stated): gnomAD exomes below 0.00001.

Submissions (2):

Color Diagnostics, LLC DBA Color Health
Classification: Uncertain significance for Cardiomyopathy. Last evaluated: 2022-01-24. Review status: criteria provided, single submitter. Criteria: ACMG Guidelines, 2015. Collection method: clinical testing. Allele origin: germline.
Comment: This variant causes duplication of a nucleotide in intron 18 of the DSP gene. To our knowledge, functional studies have not been performed for this variant. This variant has not been reported in individuals affected with cardiovascular disorders in the literature. This variant has been identified in 1/250834 chromosomes in the general population by the Genome Aggregation Database (gnomAD). The available evidence is insufficient to determine the role of this variant in disease conclusively. Therefore, this variant is classified as a Variant of Uncertain Significance.

Fulgent Genetics
Classification: Uncertain significance for Arrhythmogenic cardiomyopathy with wooly hair and keratoderma; Arrhythmogenic right ventricular dysplasia 8; Lethal acantholytic epidermolysis bullosa; Keratosis palmoplantaris striata 2; Cardiomyopathy, dilated, with wooly hair, keratoderma, and tooth agenesis. Last evaluated: 2022-01-18. Review status: criteria provided, single submitter. Criteria: ACMG Guidelines, 2015. Collection method: clinical testing. Allele origin: unknown.